The following is an entry in ClinVar:

NM_006662.3(SRCAP):c.23C>G (p.Ala8Gly)

Gene: SRCAP (Snf2 related CREBBP activator protein; plus strand). Cytogenetic location: 16p11.2.
Variant type: single nucleotide variant.
Coding change: c.23C>G on transcript NM_006662.3 (MANE Select); coding-DNA position 23, C replaced by G.
Protein change: p.Ala8Gly; replaces alanine 8 with glycine.
Molecular consequence: missense variant.
Genome position (GRCh38, 1-based): chr16:30,700,847, C>G. VCF-style: chr16-30700847-C-G. GRCh37 (hg19) VCF-style: chr16-30712168-C-G.
Other names: short protein forms A8G.
Identifiers: ClinVar variation 1387471 (VCV001387471.6), dbSNP rs2052757818, ClinGen allele CA395605355.

ClinVar aggregate classification (germline): Uncertain significance (1 of 4 stars; one submission).

Allele frequency attached by ClinVar (database versions not stated): gnomAD exomes below 0.00001.

Submission:

Labcorp Genetics (formerly Invitae), Labcorp
Classification: Uncertain significance. Last evaluated: 2021-04-14. Review status: criteria provided, single submitter. Criteria: Invitae Variant Classification Sherloc (09022015). Collection method: clinical testing. Allele origin: germline.
Comment: This variant has not been reported in the literature in individuals with SRCAP-related conditions. This variant is not present in population databases (ExAC no frequency). This sequence change replaces alanine with glycine at codon 8 of the SRCAP protein (p.Ala8Gly). The alanine residue is weakly conserved and there is a small physicochemical difference between alanine and glycine. Algorithms developed to predict the effect of missense changes on protein structure and function are either unavailable or do not agree on the potential impact of this missense change (SIFT: "Deleterious"; PolyPhen-2: "Not Available"; Align-GVGD: "Class C0"). In summary, the available evidence is currently insufficient to determine the role of this variant in disease. Therefore, it has been classified as a Variant of Uncertain Significance.